The following is an entry in ClinVar:

NM_015705.6(SGSM3):c.1977C>T (p.Cys659=)

Gene: SGSM3 (small G protein signaling modulator 3; plus strand). Cytogenetic location: 22q13.1.
Variant type: single nucleotide variant.
Coding change: c.1977C>T on transcript NM_015705.6 (MANE Select); coding-DNA position 1977, C replaced by T.
Protein change: p.Cys659=; no amino-acid change (cysteine 659 retained).
Molecular consequence: synonymous variant. On other transcripts: non-coding transcript variant (4).
Genome position (GRCh38, 1-based): chr22:40,409,007, C>T. VCF-style: chr22-40409007-C-T. GRCh37 (hg19) VCF-style: chr22-40805011-C-T.
Other names: c.1710C>T, p.Cys570= (NM_001301849.2); c.1977C>T, p.Cys659= (NM_001350039.2, NM_001350040.2, NM_001350041.2); c.1788C>T, p.Cys596= (NM_001350042.2, NM_001350044.2, NM_001350045.2); c.1776C>T, p.Cys592= (NM_001350043.2, NM_001350046.2, NM_001350047.2); c.1479C>T, p.Cys493= (NM_001350048.2).
Identifiers: ClinVar variation 4533522 (VCV004533522.6).

ClinVar aggregate classification (germline): Likely benign (1 of 4 stars; one submission).

gnomAD v4.1: 240 of 1,567,996 alleles (0.015%); highest among the groups gnomAD compares: Middle Eastern, 0.1%; no homozygotes.

Submission:

CeGaT Center for Human Genetics Tuebingen
Classification: Likely benign. Last evaluated: 2025-10-01. Review status: criteria provided, single submitter. Criteria: CeGaT Center For Human Genetics Tuebingen Variant Classification Criteria Version 2. Collection method: clinical testing. Allele origin: germline. Affected: yes. Observed: 1 variant allele.
Comment: SGSM3: BP4, BP7